The following is an entry in ClinVar:

NM_000256.3(MYBPC3):c.639C>G (p.Tyr213Ter)

Gene: MYBPC3 (myosin binding protein C3; minus strand). Cytogenetic location: 11p11.2.
Variant type: single nucleotide variant.
Coding change: c.639C>G on transcript NM_000256.3 (MANE Select); coding-DNA position 639, C replaced by G.
Protein change: p.Tyr213Ter; replaces tyrosine 213 with a stop codon.
Molecular consequence: nonsense.
Genome position (GRCh38, 1-based): chr11:47,349,789, G>C on the plus strand (C>G on the coding strand, the complement: MYBPC3 is on the minus strand). VCF-style: chr11-47349789-G-C. GRCh37 (hg19) VCF-style: chr11-47371340-G-C.
Other names: short protein forms Y213*.
Identifiers: ClinVar variation 4763849 (VCV004763849.1).

ClinVar aggregate classification (germline): Pathogenic (1 of 4 stars; one submission).

Conditions:
Hypertrophic cardiomyopathy. Also called: HYPERTROPHIC MYOCARDIOPATHY. Identifiers: Orphanet 217569, MedGen C0007194, MeSH D002312, MONDO:0005045, HP:0001639.

Submission:

Labcorp Genetics (formerly Invitae), Labcorp
Classification: Pathogenic for Hypertrophic cardiomyopathy. Last evaluated: 2026-01-04. Review status: criteria provided, single submitter. Criteria: Invitae Variant Classification Sherloc (09022015). Collection method: clinical testing. Allele origin: germline.
Comment: This sequence change creates a premature translational stop signal (p.Tyr213*) in the MYBPC3 gene. It is expected to result in an absent or disrupted protein product. Loss-of-function variants in MYBPC3 are known to be pathogenic (PMID: 19574547). This variant is not present in population databases (gnomAD no frequency). This premature translational stop signal has been observed in individual(s) with hypertrophic cardiomyopathy (PMID: 32451364). For these reasons, this variant has been classified as Pathogenic.

Literature cited by the submitters: PubMed 19574547; PubMed 32451364.